The following is an entry in ClinVar:

ClinVar aggregate classification (germline): Uncertain significance (1 of 4 stars; one submission).

Conditions:
Cardiovascular phenotype. Identifiers: MedGen CN230736.

gnomAD v4.1: 1 of 1,613,586 alleles (0.000062%); highest among the groups gnomAD compares: Admixed American, 0.0017%; no homozygotes.

Submission:

Ambry Genetics
Classification: Uncertain significance for Cardiovascular phenotype. Last evaluated: 2025-12-19. Review status: criteria provided, single submitter. Criteria: Ambry Variant Classification Scheme 2023. Collection method: clinical testing. Allele origin: germline.
Comment: The p.P904S variant (also known as c.2710C>T), located in coding exon 16 of the EPHB4 gene, results from a C to T substitution at nucleotide position 2710. The proline at codon 904 is replaced by serine, an amino acid with similar properties. This amino acid position is conserved. In addition, the in silico prediction for this alteration is inconclusive. Based on the available evidence, the clinical significance of this variant remains unclear.

NM_004444.5(EPHB4):c.2710C>T (p.Pro904Ser)

Gene: EPHB4 (EPH receptor B4; minus strand). Cytogenetic location: 7q22.1.
Variant type: single nucleotide variant.
Coding change: c.2710C>T on transcript NM_004444.5 (MANE Select); coding-DNA position 2710, C replaced by T.
Protein change: p.Pro904Ser; replaces proline 904 with serine.
Molecular consequence: missense variant.
Genome position (GRCh38, 1-based): chr7:100,805,290, G>A on the plus strand (C>T on the coding strand, the complement: EPHB4 is on the minus strand). VCF-style: chr7-100805290-G-A. GRCh37 (hg19) VCF-style: chr7-100402912-G-A.
Other names: short protein forms P904S.
Identifiers: ClinVar variation 4842534 (VCV004842534.1).